The following is an entry in ClinVar:

NM_000039.3(APOA1):c.668A>G (p.His223Arg)

Gene: APOA1 (apolipoprotein A1; minus strand). Cytogenetic location: 11q23.3.
Variant type: single nucleotide variant.
Coding change: c.668A>G on transcript NM_000039.3 (MANE Select); coding-DNA position 668, A replaced by G.
Protein change: p.His223Arg; replaces histidine 223 with arginine.
Molecular consequence: missense variant.
Genome position (GRCh38, 1-based): chr11:116,835,944, T>C on the plus strand (A>G on the coding strand, the complement: APOA1 is on the minus strand). VCF-style: chr11-116835944-T-C. GRCh37 (hg19) VCF-style: chr11-116706660-T-C.
Other names: c.668A>G, p.His223Arg (NM_001318017.2, NM_001318018.2); c.341A>G, p.His114Arg (NM_001318021.2); short protein forms H114R, H223R.
Identifiers: ClinVar variation 1472118 (VCV001472118.8), dbSNP rs2134230252, ClinGen allele CA382714576.

ClinVar aggregate classification (germline): Uncertain significance (1 of 4 stars; one submission).

Allele frequency attached by ClinVar (database versions not stated): gnomAD exomes below 0.00001.
gnomAD v4.1: 1 of 1,612,602 alleles (0.000062%); highest among the groups gnomAD compares: Non-Finnish European, 0.000085%; no homozygotes.

Submission:

Labcorp Genetics (formerly Invitae), Labcorp
Classification: Uncertain significance. Last evaluated: 2022-08-16. Review status: criteria provided, single submitter. Criteria: Invitae Variant Classification Sherloc (09022015). Collection method: clinical testing. Allele origin: germline.
Comment: In summary, the available evidence is currently insufficient to determine the role of this variant in disease. Therefore, it has been classified as a Variant of Uncertain Significance. Algorithms developed to predict the effect of missense changes on protein structure and function are either unavailable or do not agree on the potential impact of this missense change (SIFT: "Not Available"; PolyPhen-2: "Benign"; Align-GVGD: "Not Available"). ClinVar contains an entry for this variant (Variation ID: 1472118). This variant has not been reported in the literature in individuals affected with APOA1-related conditions. This variant is not present in population databases (gnomAD no frequency). This sequence change replaces histidine with arginine at codon 223 of the APOA1 protein (p.His223Arg). The histidine residue is weakly conserved and there is a small physicochemical difference between histidine and arginine.